The following is an entry in ClinVar:

NM_177433.3(MAGED2):c.866A>G (p.Tyr289Cys)

Gene: MAGED2 (MAGE family member D2; plus strand). Cytogenetic location: Xp11.21.
Variant type: single nucleotide variant.
Coding change: c.866A>G on transcript NM_177433.3 (MANE Select); coding-DNA position 866, A replaced by G.
Protein change: p.Tyr289Cys; replaces tyrosine 289 with cysteine.
Molecular consequence: missense variant.
Genome position (GRCh38, 1-based): chrX:54,811,269, A>G. VCF-style: chrX-54811269-A-G. GRCh37 (hg19) VCF-style: chrX-54837702-A-G.
Other names: c.866A>G, p.Tyr289Cys (NM_014599.6, NM_201222.3); short protein forms Y289C.
Identifiers: ClinVar variation 5018224 (VCV005018224.1).

ClinVar aggregate classification (germline): Uncertain significance (1 of 4 stars; one submission).

Submission:

GeneDx
Classification: Uncertain significance. Last evaluated: 2026-04-04. Review status: criteria provided, single submitter. Criteria: GeneDx Variant Classification Process June 2021. Collection method: clinical testing. Allele origin: germline.
Comment: In silico analysis supports that this missense variant has a deleterious effect on protein structure/function; Not observed at significant frequency in large population cohorts (gnomAD); Has not been previously published as pathogenic or benign to our knowledge